The following is an entry in ClinVar:

NM_001852.4(COL9A2):c.1171G>A (p.Gly391Ser)

Gene: COL9A2 (collagen type IX alpha 2 chain; minus strand). Cytogenetic location: 1p34.2.
Variant type: single nucleotide variant.
Coding change: c.1171G>A on transcript NM_001852.4 (MANE Select); coding-DNA position 1171, G replaced by A.
Protein change: p.Gly391Ser; replaces glycine 391 with serine.
Molecular consequence: missense variant.
Genome position (GRCh38, 1-based): chr1:40,304,520, C>T on the plus strand (G>A on the coding strand, the complement: COL9A2 is on the minus strand). VCF-style: chr1-40304520-C-T. GRCh37 (hg19) VCF-style: chr1-40770192-C-T.
Other names: short protein forms G391S.
Identifiers: ClinVar variation 1954071 (VCV001954071.5), dbSNP rs747278976, ClinGen allele CA21041346.

ClinVar aggregate classification (germline): Uncertain significance (1 of 4 stars; one submission).

Allele frequency attached by ClinVar (database versions not stated): gnomAD exomes below 0.00001.
gnomAD v4.1: 3 of 1,614,192 alleles (0.00019%); highest among the groups gnomAD compares: Non-Finnish European, 0.000085%; no homozygotes.

Submission:

Labcorp Genetics (formerly Invitae), Labcorp
Classification: Uncertain significance. Last evaluated: 2025-08-31. Review status: criteria provided, single submitter. Criteria: Invitae Variant Classification Sherloc (09022015). Collection method: clinical testing. Allele origin: germline.
Comment: This sequence change replaces glycine, which is neutral and non-polar, with serine, which is neutral and polar, at codon 391 of the COL9A2 protein (p.Gly391Ser). This variant is present in population databases (rs747278976, gnomAD 0.0009%). This variant has not been reported in the literature in individuals affected with COL9A2-related conditions. ClinVar contains an entry for this variant (Variation ID: 1954071). An algorithm developed to predict the effect of missense changes on protein structure and function (PolyPhen-2) suggests that this variant is likely to be disruptive. In summary, the available evidence is currently insufficient to determine the role of this variant in disease. Therefore, it has been classified as a Variant of Uncertain Significance.